The following is an entry in ClinVar:

NM_004656.4(BAP1):c.1069C>A (p.Leu357Met)

Gene: BAP1 (BRCA1 associated deubiquitinase 1; minus strand). Cytogenetic location: 3p21.1.
Variant type: single nucleotide variant.
Coding change: c.1069C>A on transcript NM_004656.4 (MANE Select); coding-DNA position 1069, C replaced by A.
Protein change: p.Leu357Met; replaces leucine 357 with methionine.
Molecular consequence: missense variant.
Genome position (GRCh38, 1-based): chr3:52,405,157, G>T on the plus strand (C>A on the coding strand, the complement: BAP1 is on the minus strand). VCF-style: chr3-52405157-G-T. GRCh37 (hg19) VCF-style: chr3-52439173-G-T.
Other names: c.1015C>A, p.Leu339Met (NM_001410772.1); short protein forms L339M, L357M.
Identifiers: ClinVar variation 1782687 (VCV001782687.3), dbSNP rs1467618486, ClinGen allele CA353105579.
Genomic context (GRCh38, chr3:52,405,157, plus strand): 5'-GCTCCCAGCTTACCTGCATGGGGGACTTGGCATAATTGTGATTGTCTAGAAAGGCCGGCA[G>T]CCGCTGGACAATGGGAGTGGGGTTGGGGTGAACCCCATTGAGGCTGCTGCCTGGAGGCTT-3'
Protein context (NP_004647.1, residues 347-367): HPNPTPIVQR[Leu357Met]PAFLDNHNYA

ClinVar aggregate classification (germline): Uncertain significance (1 of 4 stars; one submission).

Conditions:
Hereditary cancer-predisposing syndrome. Also called: Neoplastic Syndromes, Hereditary; Tumor predisposition; Hereditary Cancer Syndrome; Hereditary neoplastic syndrome. Identifiers: Orphanet 140162, MedGen C0027672, MeSH D009386, MONDO:0015356.

Submission:

Ambry Genetics
Classification: Uncertain significance for Hereditary cancer-predisposing syndrome. Last evaluated: 2024-08-14. Review status: criteria provided, single submitter. Criteria: Ambry Variant Classification Scheme 2023. Collection method: clinical testing. Allele origin: germline.
Comment: The p.L357M variant (also known as c.1069C>A), located in coding exon 11 of the BAP1 gene, results from a C to A substitution at nucleotide position 1069. The leucine at codon 357 is replaced by methionine, an amino acid with highly similar properties. This amino acid position is highly conserved in available vertebrate species. In addition, the in silico prediction for this alteration is inconclusive. Based on the available evidence, the clinical significance of this variant remains unclear.